The following is an entry in ClinVar:

NM_001048166.1(STIL):c.2383+5T>C

Gene: STIL (STIL centriolar assembly protein; minus strand). Cytogenetic location: 1p33.
Variant type: single nucleotide variant.
Coding change: c.2383+5T>C on transcript NM_001048166.1 (MANE Select); 5 bases into the intron after coding-DNA position 2383, T replaced by C.
Molecular consequence: intron variant.
Genome position (GRCh38, 1-based): chr1:47,272,071, A>G on the plus strand (T>C on the coding strand, the complement: STIL is on the minus strand). VCF-style: chr1-47272071-A-G. GRCh37 (hg19) VCF-style: chr1-47737743-A-G.
Other names: c.2242+5T>C (NM_001377417.1, NM_001282939.1, NM_001282938.1); c.2383+5T>C (NM_003035.2, NM_001282937.1, NM_001282936.1).
Identifiers: ClinVar variation 2110848 (VCV002110848.4), dbSNP rs1644857178, ClinGen allele CA1001392142.

ClinVar aggregate classification (germline): Uncertain significance (1 of 4 stars; one submission).

Allele frequency attached by ClinVar (database versions not stated): gnomAD exomes below 0.00001; gnomAD 0.00001.
gnomAD v4.1: 2 of 1,613,602 alleles (0.00012%); highest among the groups gnomAD compares: Non-Finnish European, 0.00017%; no homozygotes.

Submission:

Labcorp Genetics (formerly Invitae), Labcorp
Classification: Uncertain significance. Last evaluated: 2022-03-13. Review status: criteria provided, single submitter. Criteria: Invitae Variant Classification Sherloc (09022015). Collection method: clinical testing. Allele origin: germline.
Comment: In summary, the available evidence is currently insufficient to determine the role of this variant in disease. Therefore, it has been classified as a Variant of Uncertain Significance. Variants that disrupt the consensus splice site are a relatively common cause of aberrant splicing (PMID: 17576681, 9536098). Algorithms developed to predict the effect of sequence changes on RNA splicing suggest that this variant is not likely to affect RNA splicing. This variant has not been reported in the literature in individuals affected with STIL-related conditions. This variant is not present in population databases (gnomAD no frequency). This sequence change falls in intron 13 of the STIL gene. It does not directly change the encoded amino acid sequence of the STIL protein. It affects a nucleotide within the consensus splice site.

Literature cited by the submitters: PubMed 17576681; PubMed 9536098.